The following is an entry in ClinVar:

ClinVar aggregate classification (germline): Likely benign. Review status: criteria provided, multiple submitters, no conflicts (2 of 4 stars). 6 submissions from 6 submitters: Likely benign (6). Last evaluated 2026-08-01.

Conditions:
PRDM12-related disorder. Also called: PRDM12-related condition.
Inborn genetic diseases. Identifiers: MedGen C0950123, MeSH D030342.
Congenital insensitivity to pain-hypohidrosis syndrome. Also called: HSAN VIII; Neuropathy, hereditary sensory and autonomic, type VIII. Identifiers: Orphanet 478664, MedGen C4225308, MONDO:0014662, OMIM 616488.

Allele frequency attached by ClinVar (database versions not stated): ESP Exome Variant Server 0.00015; TOPMed 0.00020; gnomAD 0.00046; gnomAD exomes 0.00046 and 0.00051; 1000 Genomes Project 30x 0.00047; ExAC 0.00058; 1000 Genomes Project 0.00060.

Submissions (6):

CeGaT Center for Human Genetics Tuebingen
Classification: Likely benign. Last evaluated: 2026-08-01. Review status: criteria provided, single submitter. Criteria: CeGaT Center For Human Genetics Tuebingen Variant Classification Criteria Version 2. Collection method: clinical testing. Allele origin: germline. Affected: yes. Observed: 3 variant alleles.
Comment: PRDM12: BP4, BP7

Labcorp Genetics (formerly Invitae), Labcorp
Classification: Likely benign for Congenital insensitivity to pain-hypohidrosis syndrome. Last evaluated: 2026-01-06. Review status: criteria provided, single submitter. Criteria: Invitae Variant Classification Sherloc (09022015). Collection method: clinical testing. Allele origin: germline.

PreventionGenetics, part of Exact Sciences
Classification: Likely benign for PRDM12-related condition. Last evaluated: 2025-03-20. Review status: criteria provided, single submitter. Criteria: ACMG Guidelines, 2015. Collection method: clinical testing. Allele origin: germline.
Comment: This variant is classified as likely benign based on ACMG/AMP sequence variant interpretation guidelines (Richards et al. 2015 PMID: 25741868, with internal and published modifications).

Blueprint Genetics
Classification: Likely benign. Last evaluated: 2024-11-19. Review status: criteria provided, single submitter. Criteria: ACMG Guidelines, 2015. Collection method: clinical testing. Allele origin: germline.

GeneDx
Classification: Likely benign. Last evaluated: 2019-11-01. Review status: criteria provided, single submitter. Criteria: GeneDx Variant Classification Process June 2021. Collection method: clinical testing. Allele origin: germline. Affected: yes.

Ambry Genetics
Classification: Likely benign for Inborn genetic diseases. Last evaluated: 2019-07-11. Review status: criteria provided, single submitter. Criteria: Ambry Variant Classification Scheme 2023. Collection method: clinical testing. Allele origin: germline.

NM_021619.3(PRDM12):c.426G>A (p.Glu142=)

Gene: PRDM12 (PR/SET domain 12; plus strand). Cytogenetic location: 9q34.12.
Variant type: single nucleotide variant.
Coding change: c.426G>A on transcript NM_021619.3 (MANE Select); coding-DNA position 426, G replaced by A.
Protein change: p.Glu142=; no amino-acid change (glutamic acid 142 retained).
Molecular consequence: synonymous variant.
Genome position (GRCh38, 1-based): chr9:130,668,169, G>A. VCF-style: chr9-130668169-G-A. GRCh37 (hg19) VCF-style: chr9-133543556-G-A.
Identifiers: ClinVar variation 475814 (VCV000475814.39), dbSNP rs139493961, ClinGen allele CA5284536.
Genomic context (GRCh38, chr9:130,668,169, plus strand): 5'-CACATGGCATAGCCCTGCCTTACCTGGTCCTTGATCCATCTGTGCCCAGGTGTTCAATGA[G>A]GATGGCACGGTGCGCTACTTCATCGATGCCAGCCAGGAGGACCACCGGAGCTGGATGACC-3'
Protein context (NP_067632.2, residues 132-152): NNNLMWEVFN[Glu142=]DGTVRYFIDA